The following is an entry in ClinVar:

ClinVar aggregate classification (germline): Likely pathogenic (1 of 4 stars; one submission).

Allele frequency attached by ClinVar (database versions not stated): gnomAD exomes 0.00001; ExAC 0.00002; TOPMed 0.00003.
gnomAD v4.1: 3 of 1,611,322 alleles (0.00019%); highest among the groups gnomAD compares: African/African-American, 0.004%; no homozygotes.

Submission:

Labcorp Genetics (formerly Invitae), Labcorp
Classification: Likely pathogenic. Last evaluated: 2024-12-09. Review status: criteria provided, single submitter. Criteria: Invitae Variant Classification Sherloc (09022015). Collection method: clinical testing. Allele origin: germline.
Comment: This sequence change affects a donor splice site in intron 15 of the C6 gene. It is expected to disrupt RNA splicing. Variants that disrupt the donor or acceptor splice site typically lead to a loss of protein function (PMID: 16199547), and loss-of-function variants in C6 are known to be pathogenic (PMID: 17257682). This variant is present in population databases (rs769828883, gnomAD 0.007%). This variant has not been reported in the literature in individuals affected with C6-related conditions. ClinVar contains an entry for this variant (Variation ID: 1492590). Algorithms developed to predict the effect of sequence changes on RNA splicing suggest that this variant may disrupt the consensus splice site. In summary, the currently available evidence indicates that the variant is pathogenic, but additional data are needed to prove that conclusively. Therefore, this variant has been classified as Likely Pathogenic.

Literature cited by the submitters: PubMed 16199547; PubMed 17257682.

NM_000065.5(C6):c.2290+1G>T

Gene: C6 (complement C6; minus strand). Cytogenetic location: 5p13.1.
Variant type: single nucleotide variant.
Coding change: c.2290+1G>T on transcript NM_000065.5 (MANE Select); the canonical splice donor site of the intron after coding-DNA position 2290, G replaced by T.
Molecular consequence: splice donor variant.
Genome position (GRCh38, 1-based): chr5:41,153,809, C>A on the plus strand (G>T on the coding strand, the complement: C6 is on the minus strand). VCF-style: chr5-41153809-C-A. GRCh37 (hg19) VCF-style: chr5-41153911-C-A.
Other names: c.2290+1G>T (NM_001115131.4).
Identifiers: ClinVar variation 1492590 (VCV001492590.8), dbSNP rs769828883, ClinGen allele CA3252173.